The following is an entry in ClinVar:

NM_000275.3(OCA2):c.2226C>G (p.Ile742Met)

Gene: OCA2 (OCA2 melanosomal transmembrane protein; minus strand). Cytogenetic location: 15q13.1.
Variant type: single nucleotide variant.
Coding change: c.2226C>G on transcript NM_000275.3 (MANE Select); coding-DNA position 2226, C replaced by G.
Protein change: p.Ile742Met; replaces isoleucine 742 with methionine.
Molecular consequence: missense variant.
Genome position (GRCh38, 1-based): chr15:27,871,172, G>C on the plus strand (C>G on the coding strand, the complement: OCA2 is on the minus strand). VCF-style: chr15-27871172-G-C. GRCh37 (hg19) VCF-style: chr15-28116318-G-C.
Other names: c.2154C>G, p.Ile718Met (NM_001300984.2); short protein forms I718M, I742M.
Identifiers: ClinVar variation 1722965 (VCV001722965.3), dbSNP rs377210972, ClinGen allele CA7438707.

ClinVar aggregate classification (germline): Uncertain significance (1 of 4 stars; one submission).

Allele frequency attached by ClinVar (database versions not stated): ExAC 0.00002; TOPMed 0.00001; ESP Exome Variant Server 0.00008.
gnomAD v4.1: 5 of 1,613,828 alleles (0.00031%); highest among the groups gnomAD compares: African/African-American, 0.0067%; no homozygotes.

Submission:

GeneDx
Classification: Uncertain significance. Last evaluated: 2025-12-29. Review status: criteria provided, single submitter. Criteria: GeneDx Variant Classification Process June 2021. Collection method: clinical testing. Allele origin: germline. Affected: yes.
Comment: Has not been previously published as pathogenic or benign to our knowledge; In silico analysis supports that this missense variant has a deleterious effect on protein structure/function